The following is an entry in ClinVar:

ClinVar aggregate classification (germline): Likely benign. Review status: criteria provided, multiple submitters, no conflicts (2 of 4 stars). 3 submissions from 3 submitters: Likely benign (3). Last evaluated 2024-08-08.

Conditions:
Hereditary cancer-predisposing syndrome. Also called: Hereditary neoplastic syndrome; Hereditary Cancer Syndrome; Neoplastic Syndromes, Hereditary; Tumor predisposition. Identifiers: Orphanet 140162, MedGen C0027672, MeSH D009386, MONDO:0015356.
Fanconi anemia (FA). Also called: Fanconi's anemia. Identifiers: Orphanet 84, MedGen C0015625, MeSH D005199, MONDO:0019391.

Allele frequency attached by ClinVar (database versions not stated): TOPMed 0.00001.

Submissions (3):

Labcorp Genetics (formerly Invitae), Labcorp
Classification: Likely benign for Fanconi anemia. Last evaluated: 2024-08-08. Review status: criteria provided, single submitter. Criteria: Invitae Variant Classification Sherloc (09022015). Collection method: clinical testing. Allele origin: germline.

Ambry Genetics
Classification: Likely benign for Hereditary cancer-predisposing syndrome. Last evaluated: 2019-06-06. Review status: criteria provided, single submitter. Criteria: Ambry Variant Classification Scheme 2023. Collection method: clinical testing. Allele origin: germline.

GeneDx
Classification: Likely benign. Last evaluated: 2017-10-31. Review status: criteria provided, single submitter. Criteria: GeneDx Variant Classification (06012015). Collection method: clinical testing. Allele origin: germline. Affected: yes.
Comment: This variant is considered likely benign or benign based on one or more of the following criteria: it is a conservative change, it occurs at a poorly conserved position in the protein, it is predicted to be benign by multiple in silico algorithms, and/or has population frequency not consistent with disease.

NM_000136.3(FANCC):c.1257C>A (p.Pro419=)

Genes: AOPEP (aminopeptidase O (putative); plus strand), FANCC (FA complementation group C; minus strand). Cytogenetic location: 9q22.32.
Variant type: single nucleotide variant.
Coding change: c.1257C>A on transcript NM_000136.3 (MANE Select); coding-DNA position 1257, C replaced by A.
Protein change: p.Pro419=; no amino-acid change (proline 419 retained).
Molecular consequence: synonymous variant.
Genome position (GRCh38, 1-based): chr9:95,111,535, G>T on the plus strand (C>A on the coding strand, the complement: FANCC is on the minus strand). VCF-style: chr9-95111535-G-T. GRCh37 (hg19) VCF-style: chr9-97873817-G-T.
Other names: c.1257C>A, p.Pro419= (NM_001243743.2, NM_001243744.2).
Identifiers: ClinVar variation 237066 (VCV000237066.14), dbSNP rs878853669, ClinGen allele CA10582664.